The following is an entry in ClinVar:

ClinVar aggregate classification (germline): Uncertain significance (1 of 4 stars; one submission).

Conditions:
Dicarboxylic aminoaciduria (DCBXA). Also called: GLUTAMATE-ASPARTATE TRANSPORT DEFECT. Identifiers: Orphanet 2195, MedGen C1857253, MONDO:0009110, OMIM 222730.

gnomAD v4.1: 3 of 1,566,694 alleles (0.00019%); highest among the groups gnomAD compares: Non-Finnish European, 0.00026%; no homozygotes.

Submission:

Centre for Mendelian Genomics, University Medical Centre Ljubljana
Classification: Uncertain significance for Dicarboxylic aminoaciduria. Last evaluated: 2019-03-18. Review status: criteria provided, single submitter. Criteria: ACMG Guidelines, 2015. Collection method: clinical testing. Allele origin: unknown. Affected: yes.
Comment: This variant was classified as: Uncertain significance. The available evidence on this variant's pathogenicity is insufficient or conflicting. The following ACMG criteria were applied in classifying this variant: PM2.

NM_004170.6(SLC1A1):c.875+8A>G

Gene: SLC1A1 (solute carrier family 1 member 1; plus strand). Cytogenetic location: 9p24.2.
Variant type: single nucleotide variant.
Coding change: c.875+8A>G on transcript NM_004170.6 (MANE Select); 8 bases into the intron after coding-DNA position 875, A replaced by G.
Molecular consequence: intron variant.
Genome position (GRCh38, 1-based): chr9:4,574,022, A>G. VCF-style: chr9-4574022-A-G. GRCh37 (hg19) VCF-style: chr9-4574022-A-G.
Identifiers: ClinVar variation 930648 (VCV000930648.3), dbSNP rs12682807, ClinGen allele CA1139660876.